The following is an entry in ClinVar:

NM_004820.5(CYP7B1):c.266A>G (p.Tyr89Cys)

Gene: CYP7B1 (cytochrome P450 family 7 subfamily B member 1; minus strand). Cytogenetic location: 8q12.3.
Variant type: single nucleotide variant.
Coding change: c.266A>G on transcript NM_004820.5 (MANE Select); coding-DNA position 266, A replaced by G.
Protein change: p.Tyr89Cys; replaces tyrosine 89 with cysteine.
Molecular consequence: missense variant.
Genome position (GRCh38, 1-based): chr8:64,616,275, T>C on the plus strand (A>G on the coding strand, the complement: CYP7B1 is on the minus strand). VCF-style: chr8-64616275-T-C. GRCh37 (hg19) VCF-style: chr8-65528832-T-C.
Other names: c.266A>G, p.Tyr89Cys (NM_001324112.2); c.266A>G (NM_004820.3); short protein forms Y89C.
Identifiers: ClinVar variation 2059199 (VCV002059199.2), dbSNP rs1234271665, ClinGen allele CA371336543.

ClinVar aggregate classification (germline): Uncertain significance. Review status: criteria provided, multiple submitters, no conflicts (2 of 4 stars). 2 submissions from 2 submitters: Uncertain significance (2). Last evaluated 2025-02-01.

Conditions:
Inborn genetic diseases. Identifiers: MedGen C0950123, MeSH D030342.
Spastic paraplegia. Identifiers: MedGen C0037772, HP:0001258.

Allele frequency attached by ClinVar (database versions not stated): TOPMed 0.00003; gnomAD exomes 0.00004; gnomAD 0.00005.
gnomAD v4.1: 68 of 1,577,836 alleles (0.0043%); highest among the groups gnomAD compares: Non-Finnish European, 0.0056%; no homozygotes.

Submissions (2):

Ambry Genetics
Classification: Uncertain significance for Inborn genetic diseases. Last evaluated: 2025-02-01. Review status: criteria provided, single submitter. Criteria: Ambry Variant Classification Scheme 2023. Collection method: clinical testing. Allele origin: germline.

Labcorp Genetics (formerly Invitae), Labcorp
Classification: Uncertain significance for Spastic paraplegia. Last evaluated: 2022-03-12. Review status: criteria provided, single submitter. Criteria: Invitae Variant Classification Sherloc (09022015). Collection method: clinical testing. Allele origin: germline.
Comment: This sequence change replaces tyrosine, which is neutral and polar, with cysteine, which is neutral and slightly polar, at codon 89 of the CYP7B1 protein (p.Tyr89Cys). The frequency data for this variant in the population databases is considered unreliable, as metrics indicate poor data quality at this position in the gnomAD database. This variant has not been reported in the literature in individuals affected with CYP7B1-related conditions. Algorithms developed to predict the effect of missense changes on protein structure and function (SIFT, PolyPhen-2, Align-GVGD) all suggest that this variant is likely to be disruptive. In summary, the available evidence is currently insufficient to determine the role of this variant in disease. Therefore, it has been classified as a Variant of Uncertain Significance.